The following is an entry in ClinVar:

ClinVar aggregate classification (germline): Uncertain significance (1 of 4 stars; one submission).

Submission:

Ambry Genetics
Classification: Uncertain significance. Last evaluated: 2021-08-15. Review status: criteria provided, single submitter. Criteria: Ambry Variant Classification Scheme 2023. Collection method: clinical testing. Allele origin: germline.
Comment: The p.E745D variant (also known as c.2235A>C), located in coding exon 4 of the ALPK2 gene, results from an A to C substitution at nucleotide position 2235. The glutamic acid at codon 745 is replaced by aspartic acid, an amino acid with highly similar properties. This amino acid position is conserved. In addition, this alteration is predicted to be tolerated by in silico analysis. Since supporting evidence is limited at this time, the clinical significance of this alteration remains unclear.

NM_052947.4(ALPK2):c.2235A>C (p.Glu745Asp)

Gene: ALPK2 (alpha kinase 2; minus strand). Cytogenetic location: 18q21.31.
Variant type: single nucleotide variant.
Coding change: c.2235A>C on transcript NM_052947.4 (MANE Select); coding-DNA position 2235, A replaced by C.
Protein change: p.Glu745Asp; replaces glutamic acid 745 with aspartic acid.
Molecular consequence: missense variant.
Genome position (GRCh38, 1-based): chr18:58,537,952, T>G on the plus strand (A>C on the coding strand, the complement: ALPK2 is on the minus strand). VCF-style: chr18-58537952-T-G. GRCh37 (hg19) VCF-style: chr18-56205184-T-G.
Other names: short protein forms E745D.
Identifiers: ClinVar variation 1788166 (VCV001788166.2), dbSNP rs2518877959, ClinGen allele CA402571200.